The following is an entry in ClinVar:

ClinVar aggregate classification (germline): Uncertain significance (1 of 4 stars; one submission).

Submission:

Labcorp Genetics (formerly Invitae), Labcorp
Classification: Uncertain significance. Last evaluated: 2023-07-17. Review status: criteria provided, single submitter. Criteria: Invitae Variant Classification Sherloc (09022015). Collection method: clinical testing. Allele origin: germline.
Comment: In summary, the available evidence is currently insufficient to determine the role of this variant in disease. Therefore, it has been classified as a Variant of Uncertain Significance. Advanced modeling of protein sequence and biophysical properties (such as structural, functional, and spatial information, amino acid conservation, physicochemical variation, residue mobility, and thermodynamic stability) performed at Invitae indicates that this missense variant is not expected to disrupt NFKB1 protein function. ClinVar contains an entry for this variant (Variation ID: 1381715). This variant has not been reported in the literature in individuals affected with NFKB1-related conditions. This variant is not present in population databases (gnomAD no frequency). This sequence change replaces threonine, which is neutral and polar, with alanine, which is neutral and non-polar, at codon 567 of the NFKB1 protein (p.Thr567Ala).

NM_003998.4(NFKB1):c.1699A>G (p.Thr567Ala)

Genes: NFKB1 (nuclear factor kappa B subunit 1; plus strand), LOC126807127 (CDK7 strongly-dependent group 2 enhancer GRCh37_chr4:103521788-103522987; plus strand). Cytogenetic location: 4q24.
Variant type: single nucleotide variant.
Coding change: c.1699A>G on transcript NM_003998.4 (MANE Select); coding-DNA position 1699, A replaced by G.
Protein change: p.Thr567Ala; replaces threonine 567 with alanine.
Molecular consequence: missense variant.
Genome position (GRCh38, 1-based): chr4:102,600,956, A>G. VCF-style: chr4-102600956-A-G. GRCh37 (hg19) VCF-style: chr4-103522113-A-G.
Other names: c.1696A>G, p.Thr566Ala (NM_001165412.2, NM_001319226.2, NM_001382627.1); c.1699A>G, p.Thr567Ala (NM_001382625.1, NM_001382626.1); c.1657A>G, p.Thr553Ala (NM_001382628.1); short protein forms T566A, T553A, T567A.
Identifiers: ClinVar variation 1381715 (VCV001381715.6), dbSNP rs2149213348, ClinGen allele CA357751692.